The following is an entry in ClinVar:

NM_001211.6(BUB1B):c.211G>A (p.Gly71Arg)

Gene: BUB1B (BUB1 mitotic checkpoint serine/threonine kinase B; plus strand). Cytogenetic location: 15q15.1.
Variant type: single nucleotide variant.
Coding change: c.211G>A on transcript NM_001211.6 (MANE Select); coding-DNA position 211, G replaced by A.
Protein change: p.Gly71Arg; replaces glycine 71 with arginine.
Molecular consequence: missense variant.
Genome position (GRCh38, 1-based): chr15:40,170,093, G>A. VCF-style: chr15-40170093-G-A. GRCh37 (hg19) VCF-style: chr15-40462294-G-A.
Other names: short protein forms G71R.
Identifiers: ClinVar variation 846693 (VCV000846693.11), dbSNP rs2037144496, ClinGen allele CA391678447.

ClinVar aggregate classification (germline): Uncertain significance (1 of 4 stars; one submission).

Conditions:
Mosaic variegated aneuploidy syndrome 1 (MVA1). Also called: Warburton-Anyane-Yeboa syndrome. Identifiers: Orphanet 1052, MedGen C1850343, MONDO:0009759, OMIM 257300.

Submission:

Labcorp Genetics (formerly Invitae), Labcorp
Classification: Uncertain significance for Mosaic variegated aneuploidy syndrome 1. Last evaluated: 2019-11-28. Review status: criteria provided, single submitter. Criteria: Invitae Variant Classification Sherloc (09022015). Collection method: clinical testing. Allele origin: germline.
Comment: Algorithms developed to predict the effect of sequence changes on RNA splicing suggest that this variant may create or strengthen a splice site, but this prediction has not been confirmed by published transcriptional studies. In summary, the available evidence is currently insufficient to determine the role of this variant in disease. Therefore, it has been classified as a Variant of Uncertain Significance. Algorithms developed to predict the effect of missense changes on protein structure and function are either unavailable or do not agree on the potential impact of this missense change (SIFT: "Tolerated"; PolyPhen-2: "Probably Damaging"; Align-GVGD: "Class C0"). This variant has not been reported in the literature in individuals with BUB1B-related conditions. This variant is not present in population databases (ExAC no frequency). This sequence change replaces glycine with arginine at codon 71 of the BUB1B protein (p.Gly71Arg). The glycine residue is highly conserved and there is a moderate physicochemical difference between glycine and arginine.